The following is an entry in ClinVar:

NM_000059.4(BRCA2):c.4124del (p.Glu1375fs)

Gene: BRCA2 (BRCA2 DNA repair associated; plus strand). Cytogenetic location: 13q13.1.
Variant type: Deletion.
Coding change: c.4124del on transcript NM_000059.4 (MANE Select); coding-DNA position 4124, one base deleted (A; older notation c.4124delA).
Protein change: p.Glu1375fs; shifts the reading frame from glutamic acid 1375.
Molecular consequence: frameshift variant.
Genome position (GRCh38, 1-based): chr13:32,338,479, A deleted. VCF-style (leftmost placement, unchanged base first): chr13-32338478-GA-G. GRCh37 (hg19) VCF-style: chr13-32912615-GA-G.
Other names: 4352delA; c.4124delA (NM_000059.3).
Identifiers: ClinVar variation 266792 (VCV000266792.9), dbSNP rs886040512, ClinGen allele CA10589242.

ClinVar aggregate classification (germline): Pathogenic. Review status: reviewed by expert panel (3 of 4 stars). 3 submissions from 3 submitters: Pathogenic (1). 2 of the submissions do not count toward it. Last evaluated 2016-10-18.

Conditions:
Hereditary breast ovarian cancer syndrome. Also called: Hereditary breast and ovarian cancer; Hereditary breast and ovarian cancer syndrome (HBOC); Hereditary breast and/or ovarian cancer syndrome; Breast and ovarian cancer; Hereditary breast and ovarian cancer syndrome; BRCA1- and BRCA2-Associated Hereditary Breast and Ovarian Cancer. Identifiers: Orphanet 145, MedGen C0677776, MeSH D061325, MONDO:0003582. Disease mechanism: loss of function.
Breast-ovarian cancer, familial, susceptibility to, 2 (BROVCA2). Also called: BRCA2 Hereditary Breast and Ovarian Cancer. Identifiers: Orphanet 145, MedGen C2675520, MONDO:0012933, OMIM 612555. Disease mechanism: loss of function.

Submissions (3):

Evidence-based Network for the Interpretation of Germline Mutant Alleles (ENIGMA)
Classification: Pathogenic for Breast-ovarian cancer, familial, susceptibility to, 2. Last evaluated: 2016-10-18. Review status: reviewed by expert panel. Criteria: ENIGMA BRCA1/2 Classification Criteria (2015). Collection method: curation. Allele origin: germline.
Comment: Variant allele predicted to encode a truncated non-functional protein.

Labcorp Genetics (formerly Invitae), Labcorp
Classification: Pathogenic for Hereditary breast ovarian cancer syndrome. Last evaluated: 2025-04-07. Review status: criteria provided, single submitter. Criteria: Invitae Variant Classification Sherloc (09022015). Collection method: clinical testing. Allele origin: germline. Not counted in ClinVar's aggregate classification.
Comment: This sequence change creates a premature translational stop signal (p.Glu1375Glyfs*13) in the BRCA2 gene. It is expected to result in an absent or disrupted protein product. Loss-of-function variants in BRCA2 are known to be pathogenic (PMID: 20104584). This variant is not present in population databases (gnomAD no frequency). This premature translational stop signal has been observed in individual(s) with ovarian cancer (PMID: 30875412). ClinVar contains an entry for this variant (Variation ID: 266792). For these reasons, this variant has been classified as Pathogenic.

Consortium of Investigators of Modifiers of BRCA1/2 (CIMBA), c/o University of Cambridge
Classification: Pathogenic for Breast-ovarian cancer, familial, susceptibility to, 2. Last evaluated: 2015-10-02. Review status: criteria provided, single submitter. Criteria: CIMBA Mutation Classification guidelines May 2016. Collection method: clinical testing. Allele origin: germline. Not counted in ClinVar's aggregate classification.

Literature cited by the submitters: PubMed 20104584 (cited by Labcorp Genetics (formerly Invitae), Labcorp); PubMed 30875412 (cited by Labcorp Genetics (formerly Invitae), Labcorp).